The following is an entry in ClinVar:

NM_000059.4(BRCA2):c.794-14_794-13del

Gene: BRCA2 (BRCA2 DNA repair associated; plus strand). Cytogenetic location: 13q13.1.
Variant type: Deletion.
Coding change: c.794-14_794-13del on transcript NM_000059.4 (MANE Select); 14 bases into the intron before coding-DNA position 794 through 13 bases into the intron before coding-DNA position 794, 2 bases deleted (TT; older notation c.794-14_794-13delTT).
Molecular consequence: intron variant.
Genome position (GRCh38, 1-based): chr13:32,332,258-32,332,259, TT deleted; deleting any 2 consecutive bases within chr13:32,332,256-32,332,259 gives the same sequence; the c. name uses the placement nearest the transcript's 3' end. VCF-style (leftmost placement, unchanged base first): chr13-32332255-GTT-G. GRCh37 (hg19) VCF-style: chr13-32906392-GTT-G.
Identifiers: ClinVar variation 1332063 (VCV001332063.2), dbSNP rs2137464738, ClinGen allele CA2573053801.

ClinVar aggregate classification (germline): Uncertain significance (1 of 4 stars; one submission).

Conditions:
Hereditary cancer-predisposing syndrome. Also called: Tumor predisposition; Hereditary Cancer Syndrome; Neoplastic Syndromes, Hereditary; Hereditary neoplastic syndrome. Identifiers: Orphanet 140162, MedGen C0027672, MeSH D009386, MONDO:0015356.

Submission:

Color Diagnostics, LLC DBA Color Health
Classification: Uncertain significance for Hereditary cancer-predisposing syndrome. Last evaluated: 2021-07-16. Review status: criteria provided, single submitter. Criteria: ACMG Guidelines, 2015. Collection method: clinical testing. Allele origin: germline.
Comment: This variant causes a 2-basepair deletion in intron 9 of the BRCA2 gene. To our knowledge, functional studies have not been reported for this variant. This variant has not been reported in individuals affected with hereditary cancer in the literature. This variant has not been identified in the general population by the Genome Aggregation Database (gnomAD). The available evidence is insufficient to determine the role of this variant in disease conclusively. Therefore, this variant is classified as a Variant of Uncertain Significance.